The following is an entry in ClinVar:

NM_001377.3(DYNC2H1):c.8227G>T (p.Glu2743Ter)

Gene: DYNC2H1 (dynein cytoplasmic 2 heavy chain 1; plus strand). Cytogenetic location: 11q22.3.
Variant type: single nucleotide variant.
Coding change: c.8227G>T on transcript NM_001377.3 (MANE Select); coding-DNA position 8227, G replaced by T.
Protein change: p.Glu2743Ter; replaces glutamic acid 2743 with a stop codon.
Molecular consequence: nonsense.
Genome position (GRCh38, 1-based): chr11:103,203,692, G>T. VCF-style: chr11-103203692-G-T. GRCh37 (hg19) VCF-style: chr11-103074421-G-T.
Other names: c.8227G>T, p.Glu2743Ter (NM_001080463.2); short protein forms E2743*.
Identifiers: ClinVar variation 2772650 (VCV002772650.3), dbSNP rs2496371393, ClinGen allele CA382257684.
Genomic context (GRCh38, chr11:103,203,692, plus strand): 5'-TGTTTTCAATTAGTCTAATATTTTTCTGTAGGTGAAGTTCCTGGACTCTATACTCTTGAA[G>T]AATTAGAGCCCTTGCTGTTACCACTTAAGGATCAAGCTTCACAAGATGGTTTTTTTGGAC-3'

ClinVar aggregate classification (germline): Pathogenic (1 of 4 stars; one submission).

Conditions:
Jeune thoracic dystrophy. Also called: Jeune syndrome; Infantile thoracic dystrophy; Thoracic pelvic phalangeal dystrophy; Jeune's syndrome; Chondroectodermal dysplasia-like syndrome; Short-rib thoracic dysplasia. Identifiers: Orphanet 474, MedGen C0265275, MONDO:0018770.

Submission:

Labcorp Genetics (formerly Invitae), Labcorp
Classification: Pathogenic for Jeune thoracic dystrophy. Last evaluated: 2023-10-29. Review status: criteria provided, single submitter. Criteria: Invitae Variant Classification Sherloc (09022015). Collection method: clinical testing. Allele origin: germline.
Comment: This sequence change creates a premature translational stop signal (p.Glu2743*) in the DYNC2H1 gene. It is expected to result in an absent or disrupted protein product. Loss-of-function variants in DYNC2H1 are known to be pathogenic (PMID: 23339108, 32753734, 33755199). This variant is not present in population databases (gnomAD no frequency). This variant has not been reported in the literature in individuals affected with DYNC2H1-related conditions. For these reasons, this variant has been classified as Pathogenic.

Literature cited by the submitters: PubMed 23339108; PubMed 32753734; PubMed 33755199.